The following is an entry in ClinVar:

ClinVar aggregate classification (germline): Uncertain significance (1 of 4 stars; one submission).

Conditions:
Hereditary cancer-predisposing syndrome. Also called: Neoplastic Syndromes, Hereditary; Tumor predisposition; Hereditary Cancer Syndrome; Hereditary neoplastic syndrome. Identifiers: Orphanet 140162, MedGen C0027672, MeSH D009386, MONDO:0015356.

Submission:

Ambry Genetics
Classification: Uncertain significance for Hereditary cancer-predisposing syndrome. Last evaluated: 2025-02-13. Review status: criteria provided, single submitter. Criteria: Ambry Variant Classification Scheme 2023. Collection method: clinical testing. Allele origin: germline.
Comment: The p.P1082S variant (also known as c.3244C>T), located in coding exon 19 of the PTCH1 gene, results from a C to T substitution at nucleotide position 3244. The proline at codon 1082 is replaced by serine, an amino acid with similar properties. This amino acid position is conserved. In addition, this alteration is predicted to be deleterious by in silico analysis. Since supporting evidence is limited at this time, the clinical significance of this alteration remains unclear.

NM_000264.5(PTCH1):c.3244C>T (p.Pro1082Ser)

Gene: PTCH1 (patched 1; minus strand). Cytogenetic location: 9q22.32.
Variant type: single nucleotide variant.
Coding change: c.3244C>T on transcript NM_000264.5 (MANE Select); coding-DNA position 3244, C replaced by T.
Protein change: p.Pro1082Ser; replaces proline 1082 with serine.
Molecular consequence: missense variant. On other transcripts: non-coding transcript variant (1).
Genome position (GRCh38, 1-based): chr9:95,456,338, G>A on the plus strand (C>T on the coding strand, the complement: PTCH1 is on the minus strand). VCF-style: chr9-95456338-G-A. GRCh37 (hg19) VCF-style: chr9-98218620-G-A.
Other names: c.3046C>T, p.Pro1016Ser (NM_001083602.3); c.3241C>T, p.Pro1081Ser (NM_001083603.3); c.2791C>T, p.Pro931Ser (NM_001083604.3, NM_001083605.3, NM_001083606.3 and 1 more transcripts); c.3088C>T, p.Pro1030Ser (NM_001354918.2); short protein forms P1081S, P1030S, P1016S, P1082S, P931S.
Identifiers: ClinVar variation 1729329 (VCV001729329.3), dbSNP rs2136648687, ClinGen allele CA374112075.